The following is an entry in ClinVar:

NM_002032.3(FTH1):c.*389A>G

Genes: BEST1 (bestrophin 1; plus strand), FTH1 (ferritin heavy chain 1; minus strand). Cytogenetic location: 11q12.3.
Variant type: single nucleotide variant.
Coding change: c.*389A>G on transcript NM_002032.3 (MANE Select); 389 bases downstream of the stop codon, A replaced by G.
Molecular consequence: 3 prime UTR variant. On other transcripts: non-coding transcript variant (1).
Genome position (GRCh38, 1-based): chr11:61,964,338, T>C on the plus strand (A>G on the coding strand, the complement: FTH1 is on the minus strand). VCF-style: chr11-61964338-T-C. GRCh37 (hg19) VCF-style: chr11-61731810-T-C.
Other names: c.*1189T>C (NM_001139443.3, NM_001363591.3, NM_001363593.3); c.*216T>C (NM_001300786.2, NM_001300787.2, NM_004183.4); c.*2079T>C (NM_001363592.2).
Identifiers: ClinVar variation 305135 (VCV000305135.39), dbSNP rs1801327, ClinGen allele CA10638871.

ClinVar aggregate classification (germline): Conflicting classifications of pathogenicity. Review status: criteria provided, conflicting classifications (1 of 4 stars). 4 submissions from 3 submitters: Uncertain significance (1); Benign (2); Likely benign (1). Last evaluated 2023-05-01.

Conditions:
Retinitis pigmentosa (RP). Identifiers: Orphanet 791, MedGen C0035334, MeSH D012174, MONDO:0019200, OMIM 268000. Inheritance: Autosomal dominant, autosomal recessive and X linked inheritance.
Hemochromatosis type 5. Also called: Iron overload, autosomal dominant. Identifiers: Orphanet 247790, MedGen C1851316, MONDO:0014225, OMIM 615517.

Allele frequency attached by ClinVar (database versions not stated): 1000 Genomes Project 0.00399; 1000 Genomes Project 30x 0.00406; TOPMed 0.00916; gnomAD 0.01070 and 0.01102; gnomAD exomes 0.01264.
gnomAD v4.1: 11,444 of 926,132 alleles (1.2%); highest among the groups gnomAD compares: Middle Eastern, 1.5%; 117 homozygotes.

Submissions (4):

CeGaT Center for Human Genetics Tuebingen
Classification: Benign. Last evaluated: 2023-05-01. Review status: criteria provided, single submitter. Criteria: CeGaT Center For Human Genetics Tuebingen Variant Classification Criteria Version 2. Collection method: clinical testing. Allele origin: germline. Affected: yes. Observed: 4 variant alleles.
Comment: BEST1: BS1, BS2; FTH1: BS1, BS2

GeneDx
Classification: Likely benign. Last evaluated: 2018-07-10. Review status: criteria provided, single submitter. Criteria: GeneDx Variant Classification Process June 2021. Collection method: clinical testing. Allele origin: germline. Affected: yes.

Illumina Laboratory Services, Illumina
Classification: Benign for Hemochromatosis type 5. Last evaluated: 2018-01-12. Review status: criteria provided, single submitter. Criteria: ICSL Variant Classification Criteria 13 December 2019. Collection method: clinical testing. Allele origin: germline.
Comment: This variant was observed in the ICSL laboratory as part of a predisposition screen in an ostensibly healthy population. It had not been previously curated by ICSL or reported in the Human Gene Mutation Database (HGMD: prior to June 1st, 2018), and was therefore a candidate for classification through an automated scoring system. Utilizing variant allele frequency, disease prevalence and penetrance estimates, and inheritance mode, an automated score was calculated to assess if this variant is too frequent to cause the disease. Based on the score and internal cut-off values, a variant classified as benign is not then subjected to further curation. The score for this variant resulted in a classification of benign for this disease.

Illumina Laboratory Services, Illumina
Classification: Uncertain significance for Retinitis pigmentosa. Last evaluated: 2018-01-12. Review status: criteria provided, single submitter. Criteria: ICSL Variant Classification Criteria 13 December 2019. Collection method: clinical testing. Allele origin: germline.